The following is an entry in ClinVar:

NM_017721.5(CC2D1A):c.61-2A>G

Gene: CC2D1A (coiled-coil and C2 domain containing 1A; plus strand). Cytogenetic location: 19p13.12.
Variant type: single nucleotide variant.
Coding change: c.61-2A>G on transcript NM_017721.5 (MANE Select); the canonical splice acceptor site of the intron before coding-DNA position 61, A replaced by G.
Molecular consequence: splice acceptor variant.
Genome position (GRCh38, 1-based): chr19:13,909,821, A>G. VCF-style: chr19-13909821-A-G. GRCh37 (hg19) VCF-style: chr19-14020634-A-G.
Other names: c.61-2A>G (NM_001411138.1).
Identifiers: ClinVar variation 1751762 (VCV001751762.10), dbSNP rs200450636, ClinGen allele CA9244166.

ClinVar aggregate classification (germline): Likely pathogenic. Review status: criteria provided, multiple submitters, no conflicts (2 of 4 stars). 5 submissions from 5 submitters: Likely pathogenic (5). Last evaluated 2025-10-02.

Conditions:
CC2D1A-related disorder. Also called: CC2D1A-related condition.
Inborn genetic diseases. Identifiers: MedGen C0950123, MeSH D030342.
Intellectual developmental disorder, autosomal recessive 3. Also called: Intellectual disability, autosomal recessive 3. Identifiers: Orphanet 88616, MedGen C1838023, MONDO:0012037, OMIM 608443.

Allele frequency attached by ClinVar (database versions not stated): TOPMed 0.00008; ExAC 0.00005; gnomAD exomes 0.00005; gnomAD 0.00006.
gnomAD v4.1: 103 of 1,589,906 alleles (0.0065%); highest among the groups gnomAD compares: Non-Finnish European, 0.0015%; no homozygotes.

Submissions (6):

Women's Health and Genetics/Laboratory Corporation of America, LabCorp
Classification: Likely pathogenic for Intellectual developmental disorder, autosomal recessive 3. Last evaluated: 2025-10-02. Review status: criteria provided, single submitter. Criteria: LabCorp Variant Classification Summary - May 2015. Collection method: clinical testing. Allele origin: germline.
Comment: Variant summary: CC2D1A c.61-2A>G is located in a canonical splice-site and is predicted to affect mRNA splicing resulting in a significantly altered protein due to either exon skipping, shortening, or inclusion of intronic material. Variants that disrupt the consensus splice site are a relatively common cause of aberrant splicing and loss of CC2D1A function. The variant allele was found at a frequency of 8e-05 in 237216 control chromosomes (gnomAD). This frequency is not significantly higher than estimated for disease-causing variants in CC2D1A, allowing no conclusion about variant significance. c.61-2A>G has been reported in the literature in individuals affected with Mental retardation (Hou_2020) in a heterozygous state, and a second pathogenic allele has not been identified. This report does not provide unequivocal conclusions about association of the variant with Intellectual Disability 3. To our knowledge, no experimental evidence demonstrating an impact on protein function has been reported. The following publication have been ascertained in the context of this evaluation (PMID: 31980526). ClinVar contains an entry for this variant (Variation ID: 1751762). Based on the evidence outlined above, the variant was classified as likely pathogenic.

Blueprint Genetics
Classification: Likely pathogenic for CC2D1A-related disorders. Last evaluated: 2024-07-19. Review status: criteria provided, single submitter. Criteria: ACMG Guidelines, 2015. Collection method: clinical testing. Allele origin: germline. Affected: yes. Observed: 4 variant alleles.

Fulgent Genetics
Classification: Likely pathogenic for Intellectual developmental disorder, autosomal recessive 3. Last evaluated: 2024-06-06. Review status: criteria provided, single submitter. Criteria: ACMG Guidelines, 2015. Collection method: clinical testing. Allele origin: germline.

Labcorp Genetics (formerly Invitae), Labcorp
Classification: Likely pathogenic. Last evaluated: 2024-02-25. Review status: criteria provided, single submitter. Criteria: Invitae Variant Classification Sherloc (09022015). Collection method: clinical testing. Allele origin: germline.
Comment: This sequence change affects an acceptor splice site in intron 1 of the CC2D1A gene. It is expected to disrupt RNA splicing. Variants that disrupt the donor or acceptor splice site typically lead to a loss of protein function (PMID: 16199547), and loss-of-function variants in CC2D1A are known to be pathogenic (PMID: 16033914). This variant is present in population databases (rs200450636, gnomAD 0.2%). Disruption of this splice site has been observed in individual(s) with intellectual disability (PMID: 31980526). ClinVar contains an entry for this variant (Variation ID: 1751762). Algorithms developed to predict the effect of sequence changes on RNA splicing suggest that this variant may disrupt the consensus splice site. In summary, the currently available evidence indicates that the variant is pathogenic, but additional data are needed to prove that conclusively. Therefore, this variant has been classified as Likely Pathogenic.

Ambry Genetics
Classification: Likely pathogenic for Inborn genetic diseases. Last evaluated: 2020-02-18. Review status: criteria provided, single submitter. Criteria: Ambry Variant Classification Scheme 2023. Collection method: clinical testing. Allele origin: germline.
Comment: The c.61-2A>G intronic variant results from an A to G substitution two nucleotides upstream from coding exon 2 in the CC2D1A gene. This nucleotide position is highly conserved in available vertebrate species. Using the BDGP and ESEfinder splice site prediction tools, this alteration is predicted to abolish the native splice acceptor site; however, direct evidence is unavailable. Alterations that disrupt the canonical splice site are expected to cause aberrant splicing, resulting in an abnormal protein or a transcript that is subject to nonsense-mediated mRNA decay. As such, this alteration is classified as likely pathogenic.

Dr. Peter K. Rogan Lab, Western University
No classification provided (evidence only). Condition: Clear cell carcinoma of kidney. Review status: no classification provided. Collection method: in vitro. Allele origin: not applicable. Functional consequence: retained intron. Not counted in ClinVar's aggregate classification.

Literature cited by the submitters: PubMed 31980526 (cited by Women's Health and Genetics/Laboratory Corporation of America, LabCorp and Labcorp Genetics (formerly Invitae), Labcorp); PubMed 16199547 (cited by Labcorp Genetics (formerly Invitae), Labcorp); PubMed 16033914 (cited by Labcorp Genetics (formerly Invitae), Labcorp).